The following is an entry in ClinVar:

ClinVar aggregate classification (germline): Likely benign. Review status: criteria provided, multiple submitters, no conflicts (2 of 4 stars). 5 submissions from 5 submitters: Likely benign (4). 1 of the submissions does not count toward it. Last evaluated 2025-12-11.

Conditions:
Developmental and epileptic encephalopathy, 12 (DEE12). Identifiers: MedGen C3150988, MONDO:0013389, OMIM 613722.
PNKP-related disorder. Also called: PNKP-related disorders; PNKP-related condition.

Allele frequency attached by ClinVar (database versions not stated): gnomAD exomes 0.00008 and 0.00006; gnomAD 0.00009 and 0.00010; TOPMed 0.00006; ExAC 0.00008.
gnomAD v4.1: 131 of 1,613,388 alleles (0.0081%); highest among the groups gnomAD compares: Non-Finnish European, 0.011%; no homozygotes.

Submissions (5):

Labcorp Genetics (formerly Invitae), Labcorp
Classification: Likely benign for Developmental and epileptic encephalopathy, 12. Last evaluated: 2025-12-11. Review status: criteria provided, single submitter. Criteria: Invitae Variant Classification Sherloc (09022015). Collection method: clinical testing. Allele origin: germline.

Women's Health and Genetics/Laboratory Corporation of America, LabCorp
Classification: Likely benign. Last evaluated: 2025-04-16. Review status: criteria provided, single submitter. Criteria: LabCorp Variant Classification Summary - May 2015. Collection method: clinical testing. Allele origin: germline.

Blueprint Genetics
Classification: Likely benign. Last evaluated: 2024-09-23. Review status: criteria provided, single submitter. Criteria: ACMG Guidelines, 2015. Collection method: clinical testing. Allele origin: germline.

CeGaT Center for Human Genetics Tuebingen
Classification: Likely benign. Last evaluated: 2023-09-01. Review status: criteria provided, single submitter. Criteria: CeGaT Center For Human Genetics Tuebingen Variant Classification Criteria Version 2. Collection method: clinical testing. Allele origin: germline. Affected: yes. Observed: 1 variant allele.
Comment: PNKP: BP4, BP7

PreventionGenetics, part of Exact Sciences
Classification: Likely benign for PNKP-related condition. Last evaluated: 2019-06-13. Review status: no assertion criteria provided. Collection method: clinical testing. Allele origin: germline. Not counted in ClinVar's aggregate classification.
Comment: This variant is classified as likely benign based on ACMG/AMP sequence variant interpretation guidelines (Richards et al. 2015 PMID: 25741868, with internal and published modifications).

NM_007254.4(PNKP):c.885C>T (p.Ala295=)

Gene: PNKP (polynucleotide kinase 3'-phosphatase; minus strand). Cytogenetic location: 19q13.33.
Variant type: single nucleotide variant.
Coding change: c.885C>T on transcript NM_007254.4 (MANE Select); coding-DNA position 885, C replaced by T.
Protein change: p.Ala295=; no amino-acid change (alanine 295 retained).
Molecular consequence: synonymous variant.
Genome position (GRCh38, 1-based): chr19:49,862,589, G>A on the plus strand (C>T on the coding strand, the complement: PNKP is on the minus strand). VCF-style: chr19-49862589-G-A. GRCh37 (hg19) VCF-style: chr19-50365846-G-A.
Identifiers: ClinVar variation 478534 (VCV000478534.41), dbSNP rs763725051, ClinGen allele CA9586719.